The following is an entry in ClinVar:

ClinVar aggregate classification (germline): Likely pathogenic (1 of 4 stars; one submission).

Conditions:
NPHP3-related Meckel-like syndrome. Also called: Meckel syndrome type 7; GOLDSTON SYNDROME. Identifiers: Orphanet 3032, MedGen C2673885, MONDO:0009966, OMIM 267010.
Nephronophthisis 3 (NPHP3). Also called: Adolescent nephronophthisis. Identifiers: Orphanet 655, MedGen C1858392, MONDO:0011456, OMIM 604387.
Renal-hepatic-pancreatic dysplasia 1 (RHPD1). Identifiers: MedGen C3715199, MONDO:0008833, OMIM 208540.

Submission:

Juno Genomics, Hangzhou Juno Genomics, Inc
Classification: Likely pathogenic for NPHP3-related Meckel-like syndrome; Nephronophthisis 3; Renal-hepatic-pancreatic dysplasia 1. Review status: criteria provided, single submitter. Criteria: ACMG Guidelines, 2015. Collection method: clinical testing. Allele origin: germline.
Comment: Null variant in a gene where loss of function (LOF) is a known mechanism of disease.;Absent from controls (or at extremely low frequency if recessive) in Genome Aggregation Database.

NM_153240.5(NPHP3):c.824-2A>G

Genes: NPHP3 (nephrocystin 3; minus strand), NPHP3-ACAD11 (NPHP3-ACAD11 readthrough (NMD candidate); minus strand). Cytogenetic location: 3q22.1.
Variant type: single nucleotide variant.
Coding change: c.824-2A>G on transcript NM_153240.5 (MANE Select); the canonical splice acceptor site of the intron before coding-DNA position 824, A replaced by G.
Molecular consequence: splice acceptor variant.
Genome position (GRCh38, 1-based): chr3:132,715,220, T>C on the plus strand (A>G on the coding strand, the complement: NPHP3 is on the minus strand). VCF-style: chr3-132715220-T-C. GRCh37 (hg19) VCF-style: chr3-132434064-T-C.
Identifiers: ClinVar variation 5006544 (VCV005006544.2).
Genomic context (GRCh38, chr3:132,715,220, plus strand): 5'-AGAATGTGAAAACAGAGGAGTAACTTGTAATAAACTAGCTACAGCAATATCCCAGTCATC[T>C]GAAAATAAAATTTCTCAAGTTCATGAAAAAATTACCAGAACACATTTGATCATTCTAAAA-3'